The following is an entry in ClinVar:

ClinVar aggregate classification (germline): Uncertain significance (1 of 4 stars; one submission).

Submission:

GeneDx
Classification: Uncertain significance. Last evaluated: 2024-10-29. Review status: criteria provided, single submitter. Criteria: GeneDx Variant Classification Process June 2021. Collection method: clinical testing. Allele origin: germline. Affected: yes.
Comment: Observed in large population cohorts (gnomAD; internal data); Nonsense variant predicted to result in protein truncation or nonsense mediated decay in a gene or region of a gene for which loss of function is not a well-established mechanism of disease; Has not been previously published as pathogenic or benign to our knowledge

NM_012470.4(TNPO3):c.36C>A (p.Tyr12Ter)

Genes: TNPO3 (transportin 3; minus strand), LOC129999289 (ATAC-STARR-seq lymphoblastoid active region 26616; plus strand). Cytogenetic location: 7q32.1.
Variant type: single nucleotide variant.
Coding change: c.36C>A on transcript NM_012470.4 (MANE Select); coding-DNA position 36, C replaced by A.
Protein change: p.Tyr12Ter; replaces tyrosine 12 with a stop codon.
Molecular consequence: nonsense. On other transcripts: non-coding transcript variant (18).
Genome position (GRCh38, 1-based): chr7:129,054,735, G>T on the plus strand (C>A on the coding strand, the complement: TNPO3 is on the minus strand). VCF-style: chr7-129054735-G-T. GRCh37 (hg19) VCF-style: chr7-128694789-G-T.
Other names: c.36C>A, p.Tyr12Ter (NM_001191028.3, NM_001382216.1, NM_001382217.1 and 6 more transcripts); short protein forms Y12*.
Identifiers: ClinVar variation 3897298 (VCV003897298.1).
Genomic context (GRCh38, chr7:129,054,735, plus strand): 5'-AAAAGAGGCGCGCTCCTTTCCGCTGGGATCTGGGTCGTGGTAAAGCGCCTGCACTGCCTG[G>T]TACACGAGCTGCAATGTCGGCTTTGCTCCTTCCATGGTGGTGGCGGTAGTGGCGGTAGCG-3'